The following is an entry in ClinVar:

NM_001379200.1(TBX1):c.646A>T (p.Met216Leu)

Gene: TBX1 (T-box transcription factor 1; plus strand). Cytogenetic location: 22q11.21.
Variant type: single nucleotide variant.
Coding change: c.646A>T on transcript NM_001379200.1 (MANE Select); coding-DNA position 646, A replaced by T.
Protein change: p.Met216Leu; replaces methionine 216 with leucine.
Molecular consequence: missense variant.
Genome position (GRCh38, 1-based): chr22:19,764,261, A>T. VCF-style: chr22-19764261-A-T. GRCh37 (hg19) VCF-style: chr22-19751784-A-T.
Other names: c.619A>T, p.Met207Leu (NM_005992.1, NM_080646.2, NM_080647.1); short protein forms M207L, M216L.
Identifiers: ClinVar variation 2630029 (VCV002630029.2), dbSNP rs1224140312, ClinGen allele CA410682981.

ClinVar aggregate classification (germline): Uncertain significance (0 of 4 stars; one submission).

Conditions:
TBX1-related disorder. Also called: TBX1-related condition; TBX1-Related Disorders.

Submission:

PreventionGenetics, part of Exact Sciences
Classification: Uncertain significance for TBX1-related condition. Last evaluated: 2024-04-18. Review status: no assertion criteria provided. Collection method: clinical testing. Allele origin: germline.
Comment: The TBX1 c.619A>T variant is predicted to result in the amino acid substitution p.Met207Leu. To our knowledge, this variant has not been reported in the literature or in a large population database, indicating this variant is rare. At this time, the clinical significance of this variant is uncertain due to the absence of conclusive functional and genetic evidence.